The following is an entry in ClinVar:

NM_015693.4(INTU):c.2202G>A (p.Pro734=)

Gene: INTU (inturned planar cell polarity protein; plus strand). Cytogenetic location: 4q28.1.
Variant type: single nucleotide variant.
Coding change: c.2202G>A on transcript NM_015693.4 (MANE Select); coding-DNA position 2202, G replaced by A.
Protein change: p.Pro734=; no amino-acid change (proline 734 retained).
Molecular consequence: synonymous variant.
Genome position (GRCh38, 1-based): chr4:127,706,900, G>A. VCF-style: chr4-127706900-G-A. GRCh37 (hg19) VCF-style: chr4-128628055-G-A.
Other names: c.2202G>A (NM_015693.3).
Identifiers: ClinVar variation 2162791 (VCV002162791.6), dbSNP rs138895515, ClinGen allele CA3075269.
Genomic context (GRCh38, chr4:127,706,900, plus strand): 5'-AGGATCTGACAATGGTTGTGAAGGTGGAGAAGATGATGGCTTTAGCCCCCATACTACACC[G>A]GATGCAGTACGGAAGCAAAGAGAATCTCAGGGCTCTGATGGTTTAGAAGAAAGTGGGACC-3'
Protein context (NP_056508.2, residues 724-744): EDDGFSPHTT[Pro734=]DAVRKQRESQ

ClinVar aggregate classification (germline): Likely benign. Review status: criteria provided, single submitter (1 of 4 stars). 2 submissions from 2 submitters: Likely benign (1). 1 of the submissions does not count toward it. Last evaluated 2025-05-21.

Conditions:
INTU-related disorder. Also called: INTU-related condition.

Allele frequency attached by ClinVar (database versions not stated): gnomAD exomes 0.00010; ExAC 0.00012; 1000 Genomes Project 30x 0.00016; 1000 Genomes Project 0.00020; ESP Exome Variant Server 0.00023.
gnomAD v4.1: 181 of 1,613,872 alleles (0.011%); highest among the groups gnomAD compares: African/African-American, 0.068%; no homozygotes.

Submissions (2):

Labcorp Genetics (formerly Invitae), Labcorp
Classification: Likely benign. Last evaluated: 2025-05-21. Review status: criteria provided, single submitter. Criteria: Invitae Variant Classification Sherloc (09022015). Collection method: clinical testing. Allele origin: germline.

PreventionGenetics, part of Exact Sciences
Classification: Likely benign for INTU-related condition. Last evaluated: 2020-10-08. Review status: no assertion criteria provided. Collection method: clinical testing. Allele origin: germline. Not counted in ClinVar's aggregate classification.
Comment: This variant is classified as likely benign based on ACMG/AMP sequence variant interpretation guidelines (Richards et al. 2015 PMID: 25741868, with internal and published modifications).